The following is an entry in ClinVar:

ClinVar aggregate classification (germline): Benign. Review status: criteria provided, multiple submitters, no conflicts (2 of 4 stars). 4 submissions from 4 submitters: Benign (4). Last evaluated 2026-02-03.

Allele frequency attached by ClinVar (database versions not stated): gnomAD exomes 0.03913; ExAC 0.03974; ESP Exome Variant Server 0.06658; gnomAD 0.07434 and 0.07637; TOPMed 0.08399; 1000 Genomes Project 0.10843; 1000 Genomes Project 30x 0.11321.

Submissions (4):

Labcorp Genetics (formerly Invitae), Labcorp
Classification: Benign. Last evaluated: 2026-02-03. Review status: criteria provided, single submitter. Criteria: Invitae Variant Classification Sherloc (09022015). Collection method: clinical testing. Allele origin: germline.

Eurofins Ntd Llc (ga)
Classification: Benign. Last evaluated: 2015-04-15. Review status: criteria provided, single submitter. Criteria: EGL Classification Definitions 2015. Collection method: clinical testing. Allele origin: germline. Observed: 1 variant allele, 1 heterozygote.

GeneDx
Classification: Benign. Last evaluated: 2015-03-03. Review status: criteria provided, single submitter. Criteria: GeneDx Variant Classification Process June 2021. Collection method: clinical testing. Allele origin: germline. Affected: yes.
Comment: This variant is associated with the following publications: (PMID: 33048975)

Breakthrough Genomics
Classification: Benign. Review status: criteria provided, single submitter. Criteria: ACMG Guidelines, 2015. Collection method: not provided. Allele origin: germline. Inheritance: Autosomal dominant inheritance. Affected: yes.

NM_153212.3(GJB4):c.611A>C (p.Glu204Ala)

Gene: GJB4 (gap junction protein beta 4; plus strand). Cytogenetic location: 1p34.3.
Variant type: single nucleotide variant.
Coding change: c.611A>C on transcript NM_153212.3 (MANE Select); coding-DNA position 611, A replaced by C.
Protein change: p.Glu204Ala; replaces glutamic acid 204 with alanine.
Molecular consequence: missense variant.
Genome position (GRCh38, 1-based): chr1:34,761,865, A>C. VCF-style: chr1-34761865-A-C. GRCh37 (hg19) VCF-style: chr1-35227466-A-C.
Other names: short protein forms E204A.
Identifiers: ClinVar variation 195419 (VCV000195419.15), dbSNP rs3738346, ClinGen allele CA201727.